The following is an entry in ClinVar:

NM_003859.3(DPM1):c.35G>A (p.Arg12Lys)

Genes: DPM1 (dolichyl-phosphate mannosyltransferase subunit 1, catalytic; minus strand), LOC130066166 (ATAC-STARR-seq lymphoblastoid active region 18108; plus strand). Cytogenetic location: 20q13.13.
Variant type: single nucleotide variant.
Coding change: c.35G>A on transcript NM_003859.3 (MANE Select); coding-DNA position 35, G replaced by A.
Protein change: p.Arg12Lys; replaces arginine 12 with lysine.
Molecular consequence: missense variant. On other transcripts: non-coding transcript variant (1).
Genome position (GRCh38, 1-based): chr20:50,958,489, C>T on the plus strand (G>A on the coding strand, the complement: DPM1 is on the minus strand). VCF-style: chr20-50958489-C-T. GRCh37 (hg19) VCF-style: chr20-49575026-C-T.
Other names: c.35G>A, p.Arg12Lys (NM_001317034.1, NM_001317035.1, NM_001317036.1); short protein forms R12K.
Identifiers: ClinVar variation 1393316 (VCV001393316.8), dbSNP rs559291357, ClinGen allele CA408981179.

ClinVar aggregate classification (germline): Uncertain significance (1 of 4 stars; one submission).

Conditions:
Congenital disorder of glycosylation type 1E (CDG1E). Also called: CONGENITAL DISORDER OF GLYCOSYLATION, TYPE Ie; CDG Ie. Identifiers: Orphanet 79322, MedGen C1837396, MONDO:0012123, OMIM 608799.

Submission:

Labcorp Genetics (formerly Invitae), Labcorp
Classification: Uncertain significance for Congenital disorder of glycosylation type 1E. Last evaluated: 2021-05-05. Review status: criteria provided, single submitter. Criteria: Invitae Variant Classification Sherloc (09022015). Collection method: clinical testing. Allele origin: germline.
Comment: Algorithms developed to predict the effect of missense changes on protein structure and function output the following: SIFT: "Tolerated"; PolyPhen-2: "Not Available"; Align-GVGD: "Class C0". The lysine amino acid residue is found in multiple mammalian species, suggesting that this missense change does not adversely affect protein function. These predictions have not been confirmed by published functional studies and their clinical significance is uncertain. This variant has not been reported in the literature in individuals with DPM1-related conditions. This variant is not present in population databases (ExAC no frequency). This sequence change replaces arginine with lysine at codon 12 of the DPM1 protein (p.Arg12Lys). The arginine residue is weakly conserved and there is a small physicochemical difference between arginine and lysine. In summary, the available evidence is currently insufficient to determine the role of this variant in disease. Therefore, it has been classified as a Variant of Uncertain Significance.